The following is an entry in ClinVar:

NM_015346.4(ZFYVE26):c.5239C>T (p.Gln1747Ter)

Gene: ZFYVE26 (zinc finger FYVE-type containing 26; minus strand). Cytogenetic location: 14q24.1.
Variant type: single nucleotide variant.
Coding change: c.5239C>T on transcript NM_015346.4 (MANE Select); coding-DNA position 5239, C replaced by T.
Protein change: p.Gln1747Ter; replaces glutamine 1747 with a stop codon.
Molecular consequence: nonsense.
Genome position (GRCh38, 1-based): chr14:67,775,097, G>A on the plus strand (C>T on the coding strand, the complement: ZFYVE26 is on the minus strand). VCF-style: chr14-67775097-G-A. GRCh37 (hg19) VCF-style: chr14-68241814-G-A.
Other names: short protein forms Q1747*.
Identifiers: ClinVar variation 1724459 (VCV001724459.2), dbSNP rs2502779855, ClinGen allele CA390167997.
Genomic context (GRCh38, chr14:67,775,097, plus strand): 5'-ACTCTGCTGATGGTGATCTAGGGAGGGTCTCGGGATCTGCAGCCTGGTGGACAATTTCTT[G>A]GAGGTGAATCACAGAATCTGTAGAGAGGGAAAATGCTGACAAAATATGGTTCTACCATAA-3'

ClinVar aggregate classification (germline): Likely pathogenic (1 of 4 stars; one submission).

Conditions:
Hereditary spastic paraplegia 15 (SPG15). Also called: SPASTIC PARAPLEGIA 15, AUTOSOMAL RECESSIVE; KJELLIN SYNDROME; SPASTIC PARAPLEGIA AND RETINAL DEGENERATION. Identifiers: Orphanet 100996, MedGen C1849128, MONDO:0010044, OMIM 270700.

Allele frequency attached by ClinVar (database versions not stated): gnomAD exomes below 0.00001.
gnomAD v4.1: 2 of 1,610,532 alleles (0.00012%); highest among the groups gnomAD compares: Non-Finnish European, 0.00017%; no homozygotes.

Submission:

Myriad Genetics, Inc.
Classification: Likely pathogenic for Hereditary spastic paraplegia 15. Last evaluated: 2022-02-17. Review status: criteria provided, single submitter. Criteria: Myriad Women's Health Autosomal Recessive and X-Linked Classification Criteria (2021). Collection method: clinical testing. Allele origin: unknown.
Comment: NM_015346.3(ZFYVE26):c.5239C>T(Q1747*) is expected to be pathogenic in the context of spastic paraplegia type 15. This variant is predicted to lead to an abnormal or absent protein product due to the creation of a premature termination codon in ZFYVE26, a gene where loss-of-function variants are known to be pathogenic. Please note: this variant was assessed in the context of healthy population screening.